The following is an entry in ClinVar:

ClinVar aggregate classification (germline): Uncertain significance (1 of 4 stars; one submission).

Allele frequency attached by ClinVar (database versions not stated): TOPMed 0.00001.

Submission:

GeneDx
Classification: Uncertain significance. Last evaluated: 2014-02-12. Review status: criteria provided, single submitter. Criteria: GeneDx Variant Classification (06012015). Collection method: clinical testing. Allele origin: germline. Affected: yes.
Comment: Missense variants in the TTN gene are considered 'unclassified' if they are not previously reported in the literature and do not have >1% frequency in the population to be considered a polymorphism. Research indicates that truncating mutations in the TTN gene are expected to account for approximately 25% of familial and 18% of sporadic idiopathic DCM; however, truncating variants in the TTN gene have been reported in approximately 3% of reported control alleles. There has been little investigation into non-truncating variants. (Herman D et al. Truncations of titin causing dilated cardiomyopathy. N Eng J Med 366:619-628, 2012) The variant is found in DCM-CRDM panel(s).

NM_001267550.2(TTN):c.83006G>T (p.Arg27669Met)

Genes: TTN (titin; minus strand), TTN-AS1 (TTN antisense RNA 1; plus strand). Cytogenetic location: 2q31.2.
Variant type: single nucleotide variant.
Coding change: c.83006G>T on transcript NM_001267550.2 (MANE Select); coding-DNA position 83006, G replaced by T.
Protein change: p.Arg27669Met; replaces arginine 27669 with methionine.
Molecular consequence: missense variant.
Genome position (GRCh38, 1-based): chr2:178,563,126, C>A on the plus strand (G>T on the coding strand, the complement: TTN is on the minus strand). VCF-style: chr2-178563126-C-A. GRCh37 (hg19) VCF-style: chr2-179427853-C-A.
Other names: p.R26028M:AGG>ATG; c.78083G>T, p.Arg26028Met (NM_001256850.1); c.55811G>T, p.Arg18604Met (NM_003319.4); c.75302G>T, p.Arg25101Met (NM_133378.4); c.56186G>T, p.Arg18729Met (NM_133432.3); c.56387G>T, p.Arg18796Met (NM_133437.4); short protein forms R26028M, R27669M, R18729M, R18604M, R18796M, R25101M.
Identifiers: ClinVar variation 202917 (VCV000202917.2), dbSNP rs766268272, ClinGen allele CA310683.